The following is an entry in ClinVar:

NM_006514.4(SCN10A):c.2106+1G>A

Gene: SCN10A (sodium voltage-gated channel alpha subunit 10; minus strand). Cytogenetic location: 3p22.2.
Variant type: single nucleotide variant.
Coding change: c.2106+1G>A on transcript NM_006514.4 (MANE Select); the canonical splice donor site of the intron after coding-DNA position 2106, G replaced by A.
Molecular consequence: splice donor variant.
Genome position (GRCh38, 1-based): chr3:38,742,290, C>T on the plus strand (G>A on the coding strand, the complement: SCN10A is on the minus strand). VCF-style: chr3-38742290-C-T. GRCh37 (hg19) VCF-style: chr3-38783781-C-T.
Other names: c.1812+1G>A (NM_001293307.2); c.2106+1G>A (NM_001293306.2).
Identifiers: ClinVar variation 3225629 (VCV003225629.3), dbSNP rs758110703, ClinGen allele CA72977121.

ClinVar aggregate classification (germline): Uncertain significance. Review status: criteria provided, multiple submitters, no conflicts (2 of 4 stars). 2 submissions from 2 submitters: Uncertain significance (2). Last evaluated 2024-09-30.

Conditions:
Brugada syndrome. Also called: Sudden unexplained nocturnal death syndrome; Sudden Unexplained Death Syndrome; Sudden Unexplained Nocturnal Death Syndrome (SUNDS); Sudden unexpected nocturnal death syndrome. Identifiers: Orphanet 130, MedGen C1142166, MONDO:0015263.
Cardiovascular phenotype. Identifiers: MedGen CN230736.

Allele frequency attached by ClinVar (database versions not stated): TOPMed below 0.00001; gnomAD 0.00001.
gnomAD v4.1: 11 of 1,610,530 alleles (0.00068%); highest among the groups gnomAD compares: Admixed American, 0.0033%; no homozygotes.

Submissions (2):

Labcorp Genetics (formerly Invitae), Labcorp
Classification: Uncertain significance for Brugada syndrome. Last evaluated: 2024-09-30. Review status: criteria provided, single submitter. Criteria: Invitae Variant Classification Sherloc (09022015). Collection method: clinical testing. Allele origin: germline.
Comment: This sequence change affects a donor splice site in intron 13 of the SCN10A gene. It is expected to disrupt RNA splicing. Variants that disrupt the donor or acceptor splice site typically lead to a loss of protein function (PMID: 16199547), however the current clinical and genetic evidence is not sufficient to establish whether loss-of-function variants in SCN10A cause disease. This variant is not present in population databases (gnomAD no frequency). This variant has not been reported in the literature in individuals affected with SCN10A-related conditions. Algorithms developed to predict the effect of sequence changes on RNA splicing suggest that this variant may disrupt the consensus splice site. In summary, the available evidence is currently insufficient to determine the role of this variant in disease. Therefore, it has been classified as a Variant of Uncertain Significance.

Ambry Genetics
Classification: Uncertain significance for Cardiovascular phenotype. Last evaluated: 2023-11-22. Review status: criteria provided, single submitter. Criteria: Ambry Variant Classification Scheme 2023. Collection method: clinical testing. Allele origin: germline.
Comment: The c.2106+1G>A intronic variant results from a G to A substitution one nucleotide after coding exon 13 of the SCN10A gene. This nucleotide position is highly conserved in available vertebrate species. In silico splice site analysis predicts that this alteration will weaken the native splice donor site and may result in the creation or strengthening of a novel splice donor site. Alterations that disrupt the canonical splice site are expected to cause aberrant splicing, resulting in an abnormal protein or a transcript that is subject to nonsense-mediated mRNA decay. However, loss of function of SCN10A has not been established as a mechanism of disease. The evidence for this gene-disease relationship is limited; therefore, the clinical significance of this alteration is unclear.

Literature cited by the submitters: PubMed 16199547 (cited by Labcorp Genetics (formerly Invitae), Labcorp).